The following is an entry in ClinVar:

ClinVar aggregate classification (germline): Uncertain significance. Review status: criteria provided, multiple submitters, no conflicts (2 of 4 stars). 2 submissions from 2 submitters: Uncertain significance (2). Last evaluated 2023-05-17.

Conditions:
Inborn genetic diseases. Identifiers: MedGen C0950123, MeSH D030342.
Spastic paraplegia. Identifiers: MedGen C0037772, HP:0001258.

Allele frequency attached by ClinVar (database versions not stated): gnomAD exomes below 0.00001.
gnomAD v4.1: 3 of 1,165,950 alleles (0.00026%); highest among the groups gnomAD compares: Non-Finnish European, 0.00023%; no homozygotes.

Submissions (2):

Ambry Genetics
Classification: Uncertain significance for Inborn genetic diseases. Last evaluated: 2023-05-17. Review status: criteria provided, single submitter. Criteria: Ambry Variant Classification Scheme 2023. Collection method: clinical testing. Allele origin: germline.

Labcorp Genetics (formerly Invitae), Labcorp
Classification: Uncertain significance for Spastic paraplegia. Last evaluated: 2022-12-04. Review status: criteria provided, single submitter. Criteria: Invitae Variant Classification Sherloc (09022015). Collection method: clinical testing. Allele origin: germline.
Comment: This sequence change replaces isoleucine, which is neutral and non-polar, with threonine, which is neutral and polar, at codon 465 of the SLC16A2 protein (p.Ile465Thr). This variant is not present in population databases (gnomAD no frequency). This variant has not been reported in the literature in individuals affected with SLC16A2-related conditions. Algorithms developed to predict the effect of missense changes on protein structure and function (SIFT, PolyPhen-2, Align-GVGD) all suggest that this variant is likely to be disruptive. In summary, the available evidence is currently insufficient to determine the role of this variant in disease. Therefore, it has been classified as a Variant of Uncertain Significance.

NM_006517.5(SLC16A2):c.1394T>C (p.Ile465Thr)

Gene: SLC16A2 (solute carrier family 16 member 2; plus strand). Cytogenetic location: Xq13.2.
Variant type: single nucleotide variant.
Coding change: c.1394T>C on transcript NM_006517.5 (MANE Select); coding-DNA position 1394, T replaced by C.
Protein change: p.Ile465Thr; replaces isoleucine 465 with threonine.
Molecular consequence: missense variant.
Genome position (GRCh38, 1-based): chrX:74,529,436, T>C. VCF-style: chrX-74529436-T-C. GRCh37 (hg19) VCF-style: chrX-73749271-T-C.
Other names: short protein forms I465T.
Identifiers: ClinVar variation 2547892 (VCV002547892.5), dbSNP rs1930534079, ClinGen allele CA413658647.